The following is an entry in ClinVar:

ClinVar aggregate classification (germline): Likely benign (1 of 4 stars; one submission).

Allele frequency attached by ClinVar (database versions not stated): TOPMed 0.00002; gnomAD 0.00007; ExAC 0.00011.
gnomAD v4.1: 72 of 1,606,978 alleles (0.0045%); highest among the groups gnomAD compares: Middle Eastern, 0.067%; no homozygotes.

Submission:

CeGaT Center for Human Genetics Tuebingen
Classification: Likely benign. Last evaluated: 2022-03-01. Review status: criteria provided, single submitter. Criteria: CeGaT Center For Human Genetics Tuebingen Variant Classification Criteria Version 2. Collection method: clinical testing. Allele origin: germline. Affected: yes. Observed: 1 variant allele.
Comment: PCDHB6: BP4, BP7

NM_018939.4(PCDHB6):c.1860C>G (p.Gly620=)

Genes: PCDHB6 (protocadherin beta 6; plus strand), PCDHB@ (protocadherin beta cluster; plus strand). Cytogenetic location: 5q31.3.
Variant type: single nucleotide variant.
Coding change: c.1860C>G on transcript NM_018939.4 (MANE Select); coding-DNA position 1860, C replaced by G.
Protein change: p.Gly620=; no amino-acid change (glycine 620 retained).
Molecular consequence: synonymous variant.
Genome position (GRCh38, 1-based): chr5:141,152,117, C>G. VCF-style: chr5-141152117-C-G. GRCh37 (hg19) VCF-style: chr5-140531698-C-G.
Other names: c.1452C>G, p.Gly484= (NM_001303145.2).
Identifiers: ClinVar variation 2655811 (VCV002655811.24), dbSNP rs782309702, ClinGen allele CA3457901.
Genomic context (GRCh38, chr5:141,152,117, plus strand): 5'-GTCGTACCAGCTGCTCAAGGCCACGGAGCTCGGTCTGTTCGGCGTGTGGGCGCACAATGG[C>G]GAGGTGCGCACCGCCAGGCTGCTGAGCGAGCGAGACGCAGCCAAGCACAGGCTGGTGGTG-3'
Protein context (NP_061762.2, residues 610-630): LGLFGVWAHN[Gly620=]EVRTARLLSE